The following is an entry in ClinVar:

NM_002439.5(MSH3):c.2620C>G (p.Gln874Glu)

Gene: MSH3 (mutS homolog 3; plus strand). Cytogenetic location: 5q14.1.
Variant type: single nucleotide variant.
Coding change: c.2620C>G on transcript NM_002439.5 (MANE Select); coding-DNA position 2620, C replaced by G.
Protein change: p.Gln874Glu; replaces glutamine 874 with glutamic acid.
Molecular consequence: missense variant.
Genome position (GRCh38, 1-based): chr5:80,792,809, C>G. VCF-style: chr5-80792809-C-G. GRCh37 (hg19) VCF-style: chr5-80088628-C-G.
Other names: short protein forms Q874E.
Identifiers: ClinVar variation 3727840 (VCV003727840.2).
Genomic context (GRCh38, chr5:80,792,809, plus strand): 5'-GAAAGAAAAATTGTAATAAAAAATGGAAGGCACCCTGTGATTGATGTGTTGCTGGGAGAA[C>G]AGGATCAATATGTCCCAAATAATACAGATTTATCAGTAAGTACCTTATGCCAAAAAATAA-3'
Protein context (NP_002430.3, residues 864-884): HPVIDVLLGE[Gln874Glu]DQYVPNNTDL

ClinVar aggregate classification (germline): Uncertain significance (1 of 4 stars; one submission).

gnomAD v4.1: 1 of 1,612,780 alleles (0.000062%); highest among the groups gnomAD compares: South Asian, 0.0011%; no homozygotes.

Submission:

Labcorp Genetics (formerly Invitae), Labcorp
Classification: Uncertain significance. Last evaluated: 2024-12-23. Review status: criteria provided, single submitter. Criteria: Invitae Variant Classification Sherloc (09022015). Collection method: clinical testing. Allele origin: germline.
Comment: This sequence change replaces glutamine, which is neutral and polar, with glutamic acid, which is acidic and polar, at codon 874 of the MSH3 protein (p.Gln874Glu). This variant is not present in population databases (gnomAD no frequency). This variant has not been reported in the literature in individuals affected with MSH3-related conditions. An algorithm developed to predict the effect of missense changes on protein structure and function (PolyPhen-2) suggests that this variant is likely to be tolerated. In summary, the available evidence is currently insufficient to determine the role of this variant in disease. Therefore, it has been classified as a Variant of Uncertain Significance.